The following is an entry in ClinVar:

NM_005343.4(HRAS):c.363T>C (p.Ala121=)

Genes: HRAS (HRas proto-oncogene, GTPase; minus strand), LRRC56 (leucine rich repeat containing 56; plus strand). Cytogenetic location: 11p15.5.
Variant type: single nucleotide variant.
Coding change: c.363T>C on transcript NM_005343.4 (MANE Select); coding-DNA position 363, T replaced by C.
Protein change: p.Ala121=; no amino-acid change (alanine 121 retained).
Molecular consequence: synonymous variant. On other transcripts: missense variant (1).
Genome position (GRCh38, 1-based): chr11:533,540, A>G on the plus strand (T>C on the coding strand, the complement: HRAS is on the minus strand). VCF-style: chr11-533540-A-G. GRCh37 (hg19) VCF-style: chr11-533540-A-G.
Other names: c.363T>C, p.Ala121= (NM_001130442.3, NM_176795.5); c.44T>C, p.Leu15Pro (NM_001318054.2); short protein forms L15P.
Identifiers: ClinVar variation 45302 (VCV000045302.24), dbSNP rs146440188, ClinGen allele CA135982.

ClinVar aggregate classification (germline): Benign/Likely benign. Review status: criteria provided, multiple submitters, no conflicts (2 of 4 stars). 7 submissions from 7 submitters: Benign (1); Likely benign (6). Last evaluated 2026-08-01.

Conditions:
Noonan syndrome and Noonan-related syndrome. Identifiers: Orphanet 98733, MedGen C5681679, MONDO:0020297.
Cardiovascular phenotype. Identifiers: MedGen CN230736.
Costello syndrome (CSTLO). Also called: HRAS-Related Costello Syndrome; FCS SYNDROME; FACIOCUTANEOSKELETAL SYNDROME. Identifiers: Orphanet 3071, MedGen C0587248, MONDO:0009026, OMIM 218040.

Allele frequency attached by ClinVar (database versions not stated): gnomAD exomes 0.00002; gnomAD 0.00003 and 0.00004; TOPMed 0.00003; ESP Exome Variant Server 0.00008; ExAC 0.00001.
gnomAD v4.1: 37 of 1,613,762 alleles (0.0023%); highest among the groups gnomAD compares: Non-Finnish European, 0.003%; no homozygotes.

Submissions (7):

CeGaT Center for Human Genetics Tuebingen
Classification: Likely benign. Last evaluated: 2026-08-01. Review status: criteria provided, single submitter. Criteria: CeGaT Center For Human Genetics Tuebingen Variant Classification Criteria Version 2. Collection method: clinical testing. Allele origin: germline. Affected: yes. Observed: 1 variant allele.
Comment: HRAS: BP4, BP7

Labcorp Genetics (formerly Invitae), Labcorp
Classification: Likely benign for Costello syndrome. Last evaluated: 2025-11-19. Review status: criteria provided, single submitter. Criteria: Invitae Variant Classification Sherloc (09022015). Collection method: clinical testing. Allele origin: germline.

Ambry Genetics
Classification: Likely benign for Cardiovascular phenotype. Last evaluated: 2025-09-25. Review status: criteria provided, single submitter. Criteria: Ambry Variant Classification Scheme 2023. Collection method: clinical testing. Allele origin: germline.

Blueprint Genetics
Classification: Likely benign. Last evaluated: 2024-11-27. Review status: criteria provided, single submitter. Criteria: ACMG Guidelines, 2015. Collection method: clinical testing. Allele origin: germline.

Genome Diagnostics Laboratory, The Hospital for Sick Children
Classification: Likely benign for Noonan syndrome and Noonan-related syndrome. Last evaluated: 2018-10-01. Review status: criteria provided, single submitter. Criteria: ACMG Guidelines, 2015. Collection method: clinical testing. Allele origin: germline.

GeneDx
Classification: Benign. Last evaluated: 2015-03-03. Review status: criteria provided, single submitter. Criteria: GeneDx Variant Classification Process June 2021. Collection method: clinical testing. Allele origin: germline. Affected: yes.

Laboratory for Molecular Medicine, Mass General Brigham Personalized Medicine
Classification: Likely benign. Last evaluated: 2011-12-22. Review status: criteria provided, single submitter. Criteria: LMM Criteria. Collection method: clinical testing. Allele origin: germline. Observed: 1 variant allele.
Comment: Ala121Ala in exon 4 of HRAS: This variant is not expected to have clinical signi ficance because it does not alter an amino acid residue and is not located in th e splice consensus sequence (rs146440188; identified in 0.014% (1/7020) of chrom osomes from a clinically unspecified population of European ancestry, NHBLI exom e seq. project).